The following is an entry in ClinVar:

NM_020163.3(SEMA3G):c.2299C>T (p.Arg767Trp)

Gene: SEMA3G (semaphorin 3G; minus strand). Cytogenetic location: 3p21.1.
Variant type: single nucleotide variant.
Coding change: c.2299C>T on transcript NM_020163.3 (MANE Select); coding-DNA position 2299, C replaced by T.
Protein change: p.Arg767Trp; replaces arginine 767 with tryptophan.
Molecular consequence: missense variant.
Genome position (GRCh38, 1-based): chr3:52,435,653, G>A on the plus strand (C>T on the coding strand, the complement: SEMA3G is on the minus strand). VCF-style: chr3-52435653-G-A. GRCh37 (hg19) VCF-style: chr3-52469669-G-A.
Other names: c.2299C>T (NM_020163.2); short protein forms R767W.
Identifiers: ClinVar variation 3317303 (VCV003317303.2).

ClinVar aggregate classification (germline): Uncertain significance. Review status: criteria provided, multiple submitters, no conflicts (2 of 4 stars). 2 submissions from 2 submitters: Uncertain significance (2). Last evaluated 2026-06-04.

Conditions:
SEMA3G-related disorder. Also called: SEMA3G-related condition.

gnomAD v4.1: 19 of 1,613,832 alleles (0.0012%); highest among the groups gnomAD compares: Admixed American, 0.0033%; no homozygotes.

Submissions (2):

PreventionGenetics, part of Exact Sciences
Classification: Uncertain significance for SEMA3G-related condition. Last evaluated: 2026-06-04. Review status: criteria provided, single submitter. Criteria: ACMG Guidelines, 2015. Collection method: clinical testing. Allele origin: germline.
Comment: The SEMA3G c.2299C>T variant is predicted to result in the amino acid substitution p.Arg767Trp. To our knowledge, this variant has not been reported in the literature. This variant is reported in 0.0062% of alleles in individuals of African descent in gnomAD. At this time, the clinical significance of this variant is uncertain due to the absence of conclusive functional and genetic evidence.

Ambry Genetics
Classification: Uncertain significance. Last evaluated: 2024-04-17. Review status: criteria provided, single submitter. Criteria: Ambry Variant Classification Scheme 2023. Collection method: clinical testing. Allele origin: germline.